The following is an entry in ClinVar:

ClinVar aggregate classification (germline): Uncertain significance. Review status: criteria provided, single submitter (1 of 4 stars). 2 submissions from 2 submitters: Uncertain significance (1). 1 of the submissions does not count toward it. Last evaluated 2025-06-27.

Conditions:
NCOA1-related disorder. Also called: NCOA1-related condition.

Allele frequency attached by ClinVar (database versions not stated): gnomAD 0.00002; ExAC 0.00005; TOPMed 0.00005; gnomAD exomes 0.00006; ESP Exome Variant Server 0.00015.
gnomAD v4.1: 83 of 1,613,764 alleles (0.0051%); highest among the groups gnomAD compares: Non-Finnish European, 0.0069%; no homozygotes.

Submissions (2):

Ambry Genetics
Classification: Uncertain significance. Last evaluated: 2025-06-27. Review status: criteria provided, single submitter. Criteria: Ambry Variant Classification Scheme 2023. Collection method: clinical testing. Allele origin: germline.

PreventionGenetics, part of Exact Sciences
Classification: Uncertain significance for NCOA1-related condition. Last evaluated: 2024-07-07. Review status: no assertion criteria provided. Collection method: clinical testing. Allele origin: germline. Not counted in ClinVar's aggregate classification.
Comment: The NCOA1 c.3226A>G variant is predicted to result in the amino acid substitution p.Ile1076Val. To our knowledge, this variant has not been reported in the literature. This variant is reported in 0.0062% of alleles in individuals of European (Non-Finnish) descent in gnomAD. At this time, the clinical significance of this variant is uncertain due to the absence of conclusive functional and genetic evidence.

NM_003743.5(NCOA1):c.3226A>G (p.Ile1076Val)

Gene: NCOA1 (nuclear receptor coactivator 1; plus strand). Cytogenetic location: 2p23.3.
Variant type: single nucleotide variant.
Coding change: c.3226A>G on transcript NM_003743.5 (MANE Select); coding-DNA position 3226, A replaced by G.
Protein change: p.Ile1076Val; replaces isoleucine 1076 with valine.
Molecular consequence: missense variant.
Genome position (GRCh38, 1-based): chr2:24,739,456, A>G. VCF-style: chr2-24739456-A-G. GRCh37 (hg19) VCF-style: chr2-24962325-A-G.
Other names: c.3226A>G, p.Ile1076Val (NM_001362950.1, NM_001362952.1, NM_001362954.1 and 3 more transcripts); short protein forms I1076V.
Identifiers: ClinVar variation 2469001 (VCV002469001.4), dbSNP rs150715004, ClinGen allele CA1552608.